The following is an entry in ClinVar:

ClinVar aggregate classification (germline): Uncertain significance (1 of 4 stars; one submission).

Allele frequency attached by ClinVar (database versions not stated): gnomAD 0.00001; TOPMed 0.00001.
gnomAD v4.1: 16 of 1,612,888 alleles (0.00099%); highest among the groups gnomAD compares: Non-Finnish European, 0.0012%; no homozygotes.

Submission:

Labcorp Genetics (formerly Invitae), Labcorp
Classification: Uncertain significance. Last evaluated: 2023-07-13. Review status: criteria provided, single submitter. Criteria: Invitae Variant Classification Sherloc (09022015). Collection method: clinical testing. Allele origin: germline.
Comment: This sequence change replaces alanine, which is neutral and non-polar, with valine, which is neutral and non-polar, at codon 140 of the PACS2 protein (p.Ala140Val). The frequency data for this variant in the population databases is considered unreliable, as metrics indicate poor data quality at this position in the gnomAD database. This variant has not been reported in the literature in individuals affected with PACS2-related conditions. An algorithm developed to predict the effect of missense changes on protein structure and function (PolyPhen-2) suggests that this variant is likely to be tolerated. In summary, the available evidence is currently insufficient to determine the role of this variant in disease. Therefore, it has been classified as a Variant of Uncertain Significance.

NM_001100913.3(PACS2):c.419C>T (p.Ala140Val)

Gene: PACS2 (phosphofurin acidic cluster sorting protein 2; plus strand). Cytogenetic location: 14q32.33.
Variant type: single nucleotide variant.
Coding change: c.419C>T on transcript NM_001100913.3 (MANE Select); coding-DNA position 419, C replaced by T.
Protein change: p.Ala140Val; replaces alanine 140 with valine.
Molecular consequence: missense variant.
Genome position (GRCh38, 1-based): chr14:105,355,173, C>T. VCF-style: chr14-105355173-C-T. GRCh37 (hg19) VCF-style: chr14-105821510-C-T.
Other names: c.218C>T, p.Ala73Val (NM_001243127.3); c.419C>T, p.Ala140Val (NM_015197.4); short protein forms A140V, A73V.
Identifiers: ClinVar variation 2987821 (VCV002987821.3), dbSNP rs1243711742, ClinGen allele CA391200724.
Genomic context (GRCh38, chr14:105,355,173, plus strand): 5'-GCTACAAGAACAGAACCATCCTGGGCTACAAGACGCTGGCCGCGGGCTCCATCAGCATGG[C>T]TGAGGTGAGTGCTCCGTCTGGCGTGGCCTGCGTCGGGCTGGCCACCTGGGTGCCAGAGCA-3'
Protein context (NP_001094383.2, residues 130-150): KTLAAGSISM[Ala140Val]EVMQHPSEGG